The following is an entry in ClinVar:

NM_001166114.2(PNPLA6):c.1005+14G>A

Gene: PNPLA6 (patatin like domain 6, lysophospholipase; plus strand). Cytogenetic location: 19p13.2.
Variant type: single nucleotide variant.
Coding change: c.1005+14G>A on transcript NM_001166114.2 (MANE Select); 14 bases into the intron after coding-DNA position 1005, G replaced by A.
Molecular consequence: intron variant.
Genome position (GRCh38, 1-based): chr19:7,541,448, G>A. VCF-style: chr19-7541448-G-A. GRCh37 (hg19) VCF-style: chr19-7606334-G-A.
Other names: c.888+14G>A (NM_006702.5, NM_001166112.2, NM_001166113.1); c.1032+14G>A (NM_001166111.2).
Identifiers: ClinVar variation 390880 (VCV000390880.15), dbSNP rs190321280, ClinGen allele CA9139639.

ClinVar aggregate classification (germline): Benign/Likely benign. Review status: criteria provided, multiple submitters, no conflicts (2 of 4 stars). 5 submissions from 5 submitters: Benign (1); Likely benign (4). Last evaluated 2026-01-12.

Conditions:
Hereditary spastic paraplegia 39 (SPG39). Also called: Spastic Paraplegia Type 39 (SPG39); SPASTIC PARAPLEGIA 39, AUTOSOMAL RECESSIVE. Identifiers: Orphanet 139480, MedGen C2677586, MONDO:0012787, OMIM 612020.

Allele frequency attached by ClinVar (database versions not stated): gnomAD exomes 0.00082; ExAC 0.00109; 1000 Genomes Project 30x 0.00344; gnomAD 0.00344 and 0.00371; 1000 Genomes Project 0.00359; ESP Exome Variant Server 0.00369; TOPMed 0.00376.
gnomAD v4.1: 1,046 of 1,613,348 alleles (0.065%); highest among the groups gnomAD compares: African/African-American, 1.1%; 5 homozygotes.

Submissions (5):

Labcorp Genetics (formerly Invitae), Labcorp
Classification: Benign for Hereditary spastic paraplegia 39. Last evaluated: 2026-01-12. Review status: criteria provided, single submitter. Criteria: Invitae Variant Classification Sherloc (09022015). Collection method: clinical testing. Allele origin: germline.

Blueprint Genetics
Classification: Likely benign. Last evaluated: 2024-11-22. Review status: criteria provided, single submitter. Criteria: ACMG Guidelines, 2015. Collection method: clinical testing. Allele origin: germline.

Illumina Laboratory Services, Illumina
Classification: Likely benign for Hereditary spastic paraplegia 39. Last evaluated: 2018-01-12. Review status: criteria provided, single submitter. Criteria: ICSL Variant Classification Criteria 13 December 2019. Collection method: clinical testing. Allele origin: germline.
Comment: This variant was observed in the ICSL laboratory as part of a predisposition screen in an ostensibly healthy population. It had not been previously curated by ICSL or reported in the Human Gene Mutation Database (HGMD: prior to June 1st, 2018), and was therefore a candidate for classification through an automated scoring system. Utilizing variant allele frequency, disease prevalence and penetrance estimates, and inheritance mode, an automated score was calculated to assess if this variant is too frequent to cause the disease. Based on the score and internal cut-off values, a variant classified as likely benign is not then subjected to further curation. The score for this variant resulted in a classification of likely benign for this disease.

GeneDx
Classification: Likely benign. Last evaluated: 2016-11-18. Review status: criteria provided, single submitter. Criteria: GeneDx Variant Classification (06012015). Collection method: clinical testing. Allele origin: germline. Affected: yes.
Comment: This variant is considered likely benign or benign based on one or more of the following criteria: it is a conservative change, it occurs at a poorly conserved position in the protein, it is predicted to be benign by multiple in silico algorithms, and/or has population frequency not consistent with disease.

Breakthrough Genomics
Classification: Likely benign. Review status: criteria provided, single submitter. Criteria: ACMG Guidelines, 2015. Collection method: not provided. Allele origin: germline. Inheritance: Autosomal recessive inheritance. Affected: yes.